The following is an entry in ClinVar:

ClinVar aggregate classification (germline): Uncertain significance. Review status: criteria provided, multiple submitters, no conflicts (2 of 4 stars). 2 submissions from 2 submitters: Uncertain significance (2). Last evaluated 2023-11-07.

Conditions:
Inborn genetic diseases. Identifiers: MedGen C0950123, MeSH D030342.

Allele frequency attached by ClinVar (database versions not stated): gnomAD 0.00001; gnomAD exomes 0.00001; ExAC 0.00002; TOPMed 0.00002.

Submissions (2):

Ambry Genetics
Classification: Uncertain significance for Inborn genetic diseases. Last evaluated: 2023-11-07. Review status: criteria provided, single submitter. Criteria: Ambry Variant Classification Scheme 2023. Collection method: clinical testing. Allele origin: germline.

Labcorp Genetics (formerly Invitae), Labcorp
Classification: Uncertain significance. Last evaluated: 2023-09-14. Review status: criteria provided, single submitter. Criteria: Invitae Variant Classification Sherloc (09022015). Collection method: clinical testing. Allele origin: germline.
Comment: This variant has not been reported in the literature in individuals affected with PCGF2-related conditions. In summary, the available evidence is currently insufficient to determine the role of this variant in disease. Therefore, it has been classified as a Variant of Uncertain Significance. Advanced modeling of protein sequence and biophysical properties (such as structural, functional, and spatial information, amino acid conservation, physicochemical variation, residue mobility, and thermodynamic stability) performed at Invitae indicates that this missense variant is not expected to disrupt PCGF2 protein function. The frequency data for this variant in the population databases is considered unreliable, as metrics indicate poor data quality at this position in the gnomAD database. This sequence change replaces aspartic acid, which is acidic and polar, with asparagine, which is neutral and polar, at codon 261 of the PCGF2 protein (p.Asp261Asn).

NM_007144.3(PCGF2):c.781G>A (p.Asp261Asn)

Genes: CISD3 (CDGSH iron sulfur domain 3; plus strand), PCGF2 (polycomb group ring finger 2; minus strand). Cytogenetic location: 17q12.
Variant type: single nucleotide variant.
Coding change: c.781G>A on transcript NM_007144.3 (MANE Select); coding-DNA position 781, G replaced by A.
Protein change: p.Asp261Asn; replaces aspartic acid 261 with asparagine.
Molecular consequence: missense variant. On other transcripts: 3 prime UTR variant (1).
Genome position (GRCh38, 1-based): chr17:38,735,477, C>T on the plus strand (G>A on the coding strand, the complement: PCGF2 is on the minus strand). VCF-style: chr17-38735477-C-T. GRCh37 (hg19) VCF-style: chr17-36891730-C-T.
Other names: c.*2022C>T (NM_001136498.2); c.781G>A, p.Asp261Asn (NM_001369614.1, NM_001369615.1); short protein forms D261N.
Identifiers: ClinVar variation 2995616 (VCV002995616.3), dbSNP rs751218338, ClinGen allele CA8524866.